The following is an entry in ClinVar:

ClinVar aggregate classification (germline): Conflicting classifications of pathogenicity. Review status: criteria provided, conflicting classifications (1 of 4 stars). 4 submissions from 4 submitters: Uncertain significance (3); Likely benign (1). Last evaluated 2026-01-19.

Conditions:
Autosomal dominant Alport syndrome (ATS3A). Also called: Alport syndrome dominant type; Renal failure and sensorineural hearing loss; ALPORT SYNDROME 3A, AUTOSOMAL DOMINANT. Identifiers: Orphanet 63, Orphanet 88918, MedGen C5882663, MONDO:0007086, OMIM 104200.

Allele frequency attached by ClinVar (database versions not stated): ExAC 0.00003.
gnomAD v4.1: 10 of 1,614,184 alleles (0.00062%); highest among the groups gnomAD compares: East Asian, 0.022%; no homozygotes.

Submissions (4):

Labcorp Genetics (formerly Invitae), Labcorp
Classification: Likely benign. Last evaluated: 2026-01-19. Review status: criteria provided, single submitter. Criteria: Invitae Variant Classification Sherloc (09022015). Collection method: clinical testing. Allele origin: germline.

GeneDx
Classification: Uncertain significance. Last evaluated: 2022-06-15. Review status: criteria provided, single submitter. Criteria: GeneDx Variant Classification Process June 2021. Collection method: clinical testing. Allele origin: germline. Affected: yes.
Comment: In silico analysis supports that this missense variant does not alter protein structure/function; Has not been previously published as pathogenic or benign to our knowledge

Department of Nephrology, Rheumatology and Immunology, Shanghai Children's Hospital
Classification: Uncertain significance for Autosomal dominant Alport syndrome. Last evaluated: 2022-05-22. Review status: criteria provided, single submitter. Criteria: ACMG Guidelines, 2015. Collection method: clinical testing. Allele origin: maternal. Affected: yes. Observed: 1 variant allele.
Comment: The NM_000091.5(COL4A3):c.4669G>C (p.Ala1557Pro) is a missense variant in COL4A3. This variant is reported with a maximum allele frequency of 0.0005 in the gnomAD population database (PM2) and is located within a critical functional domain of the collagen IV protein (PM1). Computational tools predict this variant to have a deleterious effect on the protein product (PP3). In summary, this variant meets criteria to be classified as Uncertain Significance based on the ACMG/AMP 2015 criteria applied: PM1, PM2, PP3, PP4.

Blueprint Genetics
Classification: Uncertain significance. Last evaluated: 2021-03-26. Review status: criteria provided, single submitter. Criteria: ACMG Guidelines, 2015. Collection method: clinical testing. Allele origin: germline.

NM_000091.5(COL4A3):c.4669G>C (p.Ala1557Pro)

Genes: COL4A3 (collagen type IV alpha 3 chain; plus strand), MFF-DT (MFF divergent transcript; minus strand). Cytogenetic location: 2q36.3.
Variant type: single nucleotide variant.
Coding change: c.4669G>C on transcript NM_000091.5 (MANE Select); coding-DNA position 4669, G replaced by C.
Protein change: p.Ala1557Pro; replaces alanine 1557 with proline.
Molecular consequence: missense variant.
Genome position (GRCh38, 1-based): chr2:227,309,232, G>C. VCF-style: chr2-227309232-G-C. GRCh37 (hg19) VCF-style: chr2-228173948-G-C.
Other names: short protein forms A1557P.
Identifiers: ClinVar variation 1804529 (VCV001804529.8), dbSNP rs775823265, ClinGen allele CA2147608.